The following is an entry in ClinVar:

NM_144687.4(NLRP12):c.2879T>A (p.Leu960Ter)

Gene: NLRP12 (NLR family pyrin domain containing 12; minus strand). Cytogenetic location: 19q13.42.
Variant type: single nucleotide variant.
Coding change: c.2879T>A on transcript NM_144687.4 (MANE Select); coding-DNA position 2879, T replaced by A.
Protein change: p.Leu960Ter; replaces leucine 960 with a stop codon.
Molecular consequence: nonsense. On other transcripts: intron variant (1).
Genome position (GRCh38, 1-based): chr19:53,798,291, A>T on the plus strand (T>A on the coding strand, the complement: NLRP12 is on the minus strand). VCF-style: chr19-53798291-A-T. GRCh37 (hg19) VCF-style: chr19-54301545-A-T.
Other names: c.2882T>A, p.Leu961Ter (NM_001277126.2); c.2757-2262T>A (NM_001277129.1); short protein forms L960*, L961*.
Identifiers: ClinVar variation 1324810 (VCV001324810.5), dbSNP rs745881796, ClinGen allele CA9638879.

ClinVar aggregate classification (germline): Conflicting classifications of pathogenicity. Review status: criteria provided, conflicting classifications (1 of 4 stars). 2 submissions from 2 submitters: Likely pathogenic (1); Uncertain significance (1). Last evaluated 2026-01-01.

Conditions:
Familial cold autoinflammatory syndrome 2 (FCAS2). Identifiers: Orphanet 247868, MedGen C2673198, MONDO:0012724, OMIM 611762.

Allele frequency attached by ClinVar (database versions not stated): gnomAD 0.00001; gnomAD exomes 0.00001 and 0.00002; ExAC 0.00002.

Submissions (2):

Labcorp Genetics (formerly Invitae), Labcorp
Classification: Uncertain significance for Familial cold autoinflammatory syndrome 2. Last evaluated: 2026-01-01. Review status: criteria provided, single submitter. Criteria: Invitae Variant Classification Sherloc (09022015). Collection method: clinical testing. Allele origin: germline.
Comment: This sequence change creates a premature translational stop signal (p.Leu960*) in the NLRP12 gene. It is expected to result in an absent or disrupted protein product. However, the current clinical and genetic evidence is not sufficient to establish whether loss-of-function variants in NLRP12 cause disease. This variant is present in population databases (rs745881796, gnomAD 0.02%). This variant has not been reported in the literature in individuals affected with NLRP12-related conditions. ClinVar contains an entry for this variant (Variation ID: 1324810). In summary, the available evidence is currently insufficient to determine the role of this variant in disease. Therefore, it has been classified as a Variant of Uncertain Significance.

Revvity Omics, Revvity
Classification: Likely pathogenic for Familial cold autoinflammatory syndrome 2. Last evaluated: 2019-11-06. Review status: criteria provided, single submitter. Criteria: ACMG Guidelines, 2015. Collection method: clinical testing. Allele origin: germline.